The following is an entry in ClinVar:

NM_015338.6(ASXL1):c.4165G>A (p.Gly1389Arg)

Gene: ASXL1 (ASXL transcriptional regulator 1; plus strand). Cytogenetic location: 20q11.21.
Variant type: single nucleotide variant.
Coding change: c.4165G>A on transcript NM_015338.6 (MANE Select); coding-DNA position 4165, G replaced by A.
Protein change: p.Gly1389Arg; replaces glycine 1389 with arginine.
Molecular consequence: missense variant.
Genome position (GRCh38, 1-based): chr20:32,436,877, G>A. VCF-style: chr20-32436877-G-A. GRCh37 (hg19) VCF-style: chr20-31024680-G-A.
Other names: c.3982G>A, p.Gly1328Arg (NM_001363734.1); short protein forms G1389R, G1328R.
Identifiers: ClinVar variation 4588328 (VCV004588328.1).

ClinVar aggregate classification (germline): Uncertain significance (1 of 4 stars; one submission).

Conditions:
Inborn genetic diseases. Identifiers: MedGen C0950123, MeSH D030342.

Submission:

Ambry Genetics
Classification: Uncertain significance for Inborn genetic diseases. Last evaluated: 2025-11-02. Review status: criteria provided, single submitter. Criteria: Ambry Variant Classification Scheme 2023. Collection method: clinical testing. Allele origin: germline.
Comment: The p.G1389R variant (also known as c.4165G>A), located in coding exon 13 of the ASXL1 gene, results from a G to A substitution at nucleotide position 4165. The glycine at codon 1389 is replaced by arginine, an amino acid with dissimilar properties. This amino acid position is conserved. In addition, this alteration is predicted to be tolerated by in silico analysis. Based on the available evidence, the clinical significance of this variant remains unclear.